The following is an entry in ClinVar:

ClinVar aggregate classification (germline): Uncertain significance (1 of 4 stars; one submission).

Conditions:
Familial thoracic aortic aneurysm and aortic dissection (TAAD). Also called: Thoracic aortic aneurysms and dissections. Identifiers: Orphanet 91387, MedGen C4707243, MONDO:0019625.

Submission:

Ambry Genetics
Classification: Uncertain significance for Familial thoracic aortic aneurysm and aortic dissection. Last evaluated: 2026-07-07. Review status: criteria provided, single submitter. Criteria: Ambry Variant Classification Scheme 2023. Collection method: clinical testing. Allele origin: germline.
Comment: The p.N593K variant (also known as c.1779T>G), located in coding exon 25 of the COL3A1 gene, results from a T to G substitution at nucleotide position 1779. The asparagine at codon 593 is replaced by lysine, an amino acid with similar properties. This amino acid position is conserved. In addition, this alteration is predicted to be tolerated by in silico analysis. Based on the available evidence, the clinical significance of this variant remains unclear.

NM_000090.4(COL3A1):c.1779T>G (p.Asn593Lys)

Gene: COL3A1 (collagen type III alpha 1 chain; plus strand). Cytogenetic location: 2q32.2.
Variant type: single nucleotide variant.
Coding change: c.1779T>G on transcript NM_000090.4 (MANE Select); coding-DNA position 1779, T replaced by G.
Protein change: p.Asn593Lys; replaces asparagine 593 with lysine.
Molecular consequence: missense variant.
Genome position (GRCh38, 1-based): chr2:188,997,182, T>G. VCF-style: chr2-188997182-T-G. GRCh37 (hg19) VCF-style: chr2-189861908-T-G.
Other names: short protein forms N593K.
Identifiers: ClinVar variation 5034753 (VCV005034753.1).